The following is an entry in ClinVar:

NM_152703.5(SAMD9L):c.2315C>A (p.Thr772Asn)

Gene: SAMD9L (sterile alpha motif domain containing 9 like; minus strand). Cytogenetic location: 7q21.2.
Variant type: single nucleotide variant.
Coding change: c.2315C>A on transcript NM_152703.5 (MANE Select); coding-DNA position 2315, C replaced by A.
Protein change: p.Thr772Asn; replaces threonine 772 with asparagine.
Molecular consequence: missense variant.
Genome position (GRCh38, 1-based): chr7:93,133,657, G>T on the plus strand (C>A on the coding strand, the complement: SAMD9L is on the minus strand). VCF-style: chr7-93133657-G-T. GRCh37 (hg19) VCF-style: chr7-92762970-G-T.
Other names: c.2315C>A, p.Thr772Asn (NM_001303496.3, NM_001303497.3, NM_001303498.3 and 5 more transcripts); short protein forms T772N.
Identifiers: ClinVar variation 3792245 (VCV003792245.1).

ClinVar aggregate classification (germline): Uncertain significance (1 of 4 stars; one submission).

Conditions:
Inborn genetic diseases. Identifiers: MedGen C0950123, MeSH D030342.

Submission:

Ambry Genetics
Classification: Uncertain significance for Inborn genetic diseases. Last evaluated: 2024-12-22. Review status: criteria provided, single submitter. Criteria: Ambry Variant Classification Scheme 2023. Collection method: clinical testing. Allele origin: germline.
Comment: The p.T772N variant (also known as c.2315C>A), located in coding exon 1 of the SAMD9L gene, results from a C to A substitution at nucleotide position 2315. The threonine at codon 772 is replaced by asparagine, an amino acid with similar properties. This amino acid position is conserved. In addition, this alteration is predicted to be tolerated by in silico analysis. Based on the available evidence, the clinical significance of this variant remains unclear.